The following is an entry in ClinVar:

ClinVar aggregate classification (germline): Benign (0 of 4 stars; one submission).

Conditions:
ALKBH8-related disorder. Also called: ALKBH8-related condition.

Allele frequency attached by ClinVar (database versions not stated): gnomAD exomes 0.00170; ExAC 0.00743; gnomAD 0.01793; ESP Exome Variant Server 0.02037; TOPMed 0.02065; 1000 Genomes Project 0.02316; 1000 Genomes Project 30x 0.02514.
gnomAD v4.1: 5,253 of 1,551,738 alleles (0.34%); highest among the groups gnomAD compares: African/African-American, 6.2%; 156 homozygotes.

Submissions (6):

PreventionGenetics, part of Exact Sciences
Classification: Benign for ALKBH8-related condition. Last evaluated: 2019-11-13. Review status: no assertion criteria provided. Collection method: clinical testing. Allele origin: germline.
Comment: This variant is classified as benign based on ACMG/AMP sequence variant interpretation guidelines (Richards et al. 2015 PMID: 25741868, with internal and published modifications).

Dr. Peter K. Rogan Lab, Western University
No classification provided (evidence only). Condition: Uterine corpus endometrial carcinoma. Review status: no classification provided. Collection method: in vitro. Allele origin: not applicable. Functional consequence: retained intron. Not counted in ClinVar's aggregate classification.

Dr. Peter K. Rogan Lab, Western University
No classification provided (evidence only). Condition: Uterine corpus endometrial carcinoma. Review status: no classification provided. Collection method: in vitro. Allele origin: not applicable. Functional consequence: retained intron. Not counted in ClinVar's aggregate classification.

Dr. Peter K. Rogan Lab, Western University
No classification provided (evidence only). Condition: Cervical cancer. Review status: no classification provided. Collection method: in vitro. Allele origin: not applicable. Functional consequence: retained intron. Not counted in ClinVar's aggregate classification.

Dr. Peter K. Rogan Lab, Western University
No classification provided (evidence only). Condition: Ovarian serous cystadenocarcinoma. Review status: no classification provided. Collection method: in vitro. Allele origin: not applicable. Functional consequence: retained intron. Not counted in ClinVar's aggregate classification.

Dr. Peter K. Rogan Lab, Western University
No classification provided (evidence only). Condition: Ovarian serous cystadenocarcinoma. Review status: no classification provided. Collection method: in vitro. Allele origin: not applicable. Functional consequence: retained intron. Not counted in ClinVar's aggregate classification.

NM_138775.3(ALKBH8):c.1834G>T (p.Gly612Cys)

Gene: ALKBH8 (alkB homolog 8, tRNA methyltransferase; minus strand). Cytogenetic location: 11q22.3.
Variant type: single nucleotide variant.
Coding change: c.1834G>T on transcript NM_138775.3 (MANE Select); coding-DNA position 1834, G replaced by T.
Protein change: p.Gly612Cys; replaces glycine 612 with cysteine.
Molecular consequence: missense variant. On other transcripts: non-coding transcript variant (6).
Genome position (GRCh38, 1-based): chr11:107,504,819, C>A on the plus strand (G>T on the coding strand, the complement: ALKBH8 is on the minus strand). VCF-style: chr11-107504819-C-A. GRCh37 (hg19) VCF-style: chr11-107375545-C-A.
Other names: NC_000011.9:g.107375545C>A; c.1834G>T, p.Gly612Cys (NM_001301010.3); c.1684G>T, p.Gly562Cys (NM_001378133.1); short protein forms G562C, G612C.
Identifiers: ClinVar variation 3043881 (VCV003043881.3), dbSNP rs61749473, ClinGen allele CA6260996.